The following is an entry in ClinVar:

ClinVar aggregate classification (germline): Uncertain significance (1 of 4 stars; one submission).

Conditions:
Hypertrophic cardiomyopathy. Also called: HYPERTROPHIC MYOCARDIOPATHY. Identifiers: Orphanet 217569, MedGen C0007194, MeSH D002312, MONDO:0005045, HP:0001639.

Submission:

Labcorp Genetics (formerly Invitae), Labcorp
Classification: Uncertain significance for Hypertrophic cardiomyopathy. Last evaluated: 2022-08-09. Review status: criteria provided, single submitter. Criteria: Invitae Variant Classification Sherloc (09022015). Collection method: clinical testing. Allele origin: germline.
Comment: In summary, the available evidence is currently insufficient to determine the role of this variant in disease. Therefore, it has been classified as a Variant of Uncertain Significance. Algorithms developed to predict the effect of missense changes on protein structure and function are either unavailable or do not agree on the potential impact of this missense change (SIFT: "Deleterious"; PolyPhen-2: "Possibly Damaging"; Align-GVGD: "Class C0"). ClinVar contains an entry for this variant (Variation ID: 1357317). This variant has not been reported in the literature in individuals affected with TNNI3-related conditions. This variant is not present in population databases (gnomAD no frequency). This sequence change replaces alanine, which is neutral and non-polar, with aspartic acid, which is acidic and polar, at codon 102 of the TNNI3 protein (p.Ala102Asp).

NM_000363.5(TNNI3):c.305C>A (p.Ala102Asp)

Gene: TNNI3 (troponin I3, cardiac type; minus strand). Cytogenetic location: 19q13.42.
Variant type: single nucleotide variant.
Coding change: c.305C>A on transcript NM_000363.5 (MANE Select); coding-DNA position 305, C replaced by A.
Protein change: p.Ala102Asp; replaces alanine 102 with aspartic acid.
Molecular consequence: missense variant.
Genome position (GRCh38, 1-based): chr19:55,154,808, G>T on the plus strand (C>A on the coding strand, the complement: TNNI3 is on the minus strand). VCF-style: chr19-55154808-G-T. GRCh37 (hg19) VCF-style: chr19-55666176-G-T.
Other names: short protein forms A102D.
Identifiers: ClinVar variation 1357317 (VCV001357317.8), dbSNP rs1329760318, ClinGen allele CA407441135.